The following is an entry in ClinVar:

ClinVar aggregate classification (germline): Likely benign. Review status: criteria provided, multiple submitters, no conflicts (2 of 4 stars). 2 submissions from 2 submitters: Likely benign (2). Last evaluated 2025-02-25.

Conditions:
Multiple endocrine neoplasia, type 2 (MEN2). Identifiers: Orphanet 653, MedGen C4048306, MONDO:0019003. Disease mechanism: gain of function.
Multiple endocrine neoplasia type 2A. Also called: Multiple Endocrine Neoplasia Type 2A (MEN2A); MULTIPLE ENDOCRINE NEOPLASIA, TYPE IIA; PTC SYNDROME; SIPPLE SYNDROME; MEN 2A; MEN-2A syndrome. Identifiers: Orphanet 247698, Orphanet 653, MedGen C0025268, MeSH D018813, MONDO:0008234, OMIM 171400.

Submissions (2):

Myriad Genetics, Inc.
Classification: Likely benign for Multiple endocrine neoplasia type 2A. Last evaluated: 2025-02-25. Review status: criteria provided, single submitter. Criteria: Myriad Autosomal Dominant, Autosomal Recessive and X-Linked Classification Criteria (2023). Collection method: clinical testing. Allele origin: unknown.
Comment: This variant is considered likely benign. This variant is intronic and is not expected to impact mRNA splicing.

Labcorp Genetics (formerly Invitae), Labcorp
Classification: Likely benign for Multiple endocrine neoplasia, type 2. Last evaluated: 2023-11-07. Review status: criteria provided, single submitter. Criteria: Invitae Variant Classification Sherloc (09022015). Collection method: clinical testing. Allele origin: germline.

NM_020975.6(RET):c.868-9A>C

Gene: RET (ret proto-oncogene; plus strand). Cytogenetic location: 10q11.21.
Variant type: single nucleotide variant.
Coding change: c.868-9A>C on transcript NM_020975.6 (MANE Select); 9 bases into the intron before coding-DNA position 868, A replaced by C.
Molecular consequence: intron variant.
Genome position (GRCh38, 1-based): chr10:43,106,367, A>C. VCF-style: chr10-43106367-A-C. GRCh37 (hg19) VCF-style: chr10-43601815-A-C.
Other names: c.868-9A>C (NM_020630.7, NM_001406743.1, NM_001406744.1 and 4 more transcripts); c.867+1174A>C (NM_001406772.1, NM_001406769.1); c.626-2664A>C (NM_001406773.1, NM_001406771.1); c.625+3738A>C (NM_001406782.1, NM_001406780.1, NM_001406779.1 and 3 more transcripts); c.739-9A>C (NM_001406764.1, NM_001406762.1, NM_001406761.1 and 1 more transcripts); c.738+1174A>C (NM_001406774.1); c.496+3738A>C (NM_001406786.1, NM_001406783.1); c.580-9A>C (NM_001406770.1, NM_001406766.1, NM_001406767.1); and 5 more.
Identifiers: ClinVar variation 2883563 (VCV002883563.4), dbSNP rs201766252, ClinGen allele CA2739265335.